The following is an entry in ClinVar:

ClinVar aggregate classification (germline): Uncertain significance (1 of 4 stars; one submission).

Allele frequency attached by ClinVar (database versions not stated): gnomAD exomes below 0.00001; ExAC 0.00001.
gnomAD v4.1: 1 of 1,611,642 alleles (0.000062%); highest among the groups gnomAD compares: Middle Eastern, 0.017%; no homozygotes.

Submission:

CeGaT Center for Human Genetics Tuebingen
Classification: Uncertain significance. Last evaluated: 2023-11-01. Review status: criteria provided, single submitter. Criteria: CeGaT Center For Human Genetics Tuebingen Variant Classification Criteria Version 2. Collection method: clinical testing. Allele origin: germline. Affected: yes. Observed: 1 variant allele.
Comment: CDH11: PM2, BP4

NM_001797.4(CDH11):c.1895-561A>G

Gene: CDH11 (cadherin 11; minus strand). Cytogenetic location: 16q21.
Variant type: single nucleotide variant.
Coding change: c.1895-561A>G on transcript NM_001797.4 (MANE Select); 561 bases into the intron before coding-DNA position 1895, A replaced by G.
Molecular consequence: intron variant. On other transcripts: missense variant (1).
Genome position (GRCh38, 1-based): chr16:64,948,660, T>C on the plus strand (A>G on the coding strand, the complement: CDH11 is on the minus strand). VCF-style: chr16-64948660-T-C. GRCh37 (hg19) VCF-style: chr16-64982563-T-C.
Other names: c.2022A>G, p.Ile674Met (NM_001308392.2); c.1517-561A>G (NM_001330576.2); short protein forms I674M.
Identifiers: ClinVar variation 2672641 (VCV002672641.23), dbSNP rs751796464, ClinGen allele CA8091933.
Genomic context (GRCh38, chr16:64,948,660, plus strand): 5'-AAGTCTTACCGTAAGTGTGGTTGGACTCTCTGTAGCCACCACATAGAGGAAAGGAAGTTT[T>C]ATAAAGACCCCCAGAAGACAAAATCTTCTGTTTACTTTAACATAGGAAAATAGCATCAGC-3'